The following is an entry in ClinVar:

NM_198075.4(LRRC56):c.25C>A (p.Arg9Ser)

Gene: LRRC56 (leucine rich repeat containing 56; plus strand). Cytogenetic location: 11p15.5.
Variant type: single nucleotide variant.
Coding change: c.25C>A on transcript NM_198075.4 (MANE Select); coding-DNA position 25, C replaced by A.
Protein change: p.Arg9Ser; replaces arginine 9 with serine.
Molecular consequence: missense variant.
Genome position (GRCh38, 1-based): chr11:540,709, C>A. VCF-style: chr11-540709-C-A. GRCh37 (hg19) VCF-style: chr11-540709-C-A.
Other names: short protein forms R9S.
Identifiers: ClinVar variation 1423516 (VCV001423516.5), dbSNP rs142967139, ClinGen allele CA5779468.

ClinVar aggregate classification (germline): Uncertain significance. Review status: criteria provided, multiple submitters, no conflicts (2 of 4 stars). 2 submissions from 2 submitters: Uncertain significance (2). Last evaluated 2024-01-18.

Allele frequency attached by ClinVar (database versions not stated): gnomAD 0.00010 and 0.00016; ESP Exome Variant Server 0.00015; ExAC 0.00020; 1000 Genomes Project 0.00040; 1000 Genomes Project 30x 0.00047.
gnomAD v4.1: 227 of 1,612,702 alleles (0.014%); highest among the groups gnomAD compares: East Asian, 0.15%; no homozygotes.

Submissions (2):

Labcorp Genetics (formerly Invitae), Labcorp
Classification: Uncertain significance. Last evaluated: 2024-01-18. Review status: criteria provided, single submitter. Criteria: Invitae Variant Classification Sherloc (09022015). Collection method: clinical testing. Allele origin: germline.
Comment: This sequence change replaces arginine, which is basic and polar, with serine, which is neutral and polar, at codon 9 of the LRRC56 protein (p.Arg9Ser). This variant is present in population databases (rs142967139, gnomAD 0.1%). This variant has not been reported in the literature in individuals affected with LRRC56-related conditions. ClinVar contains an entry for this variant (Variation ID: 1423516). An algorithm developed to predict the effect of missense changes on protein structure and function (PolyPhen-2) suggests that this variant¬†is likely to be tolerated. In summary, the available evidence is currently insufficient to determine the role of this variant in disease. Therefore, it has been classified as a Variant of Uncertain Significance.

Breakthrough Genomics
Classification: Uncertain significance. Review status: criteria provided, single submitter. Criteria: ACMG Guidelines, 2015. Collection method: not provided. Allele origin: germline. Inheritance: Autosomal recessive inheritance. Affected: yes.